The following is an entry in ClinVar:

NM_030665.4(RAI1):c.2873G>A (p.Gly958Glu)

Gene: RAI1 (retinoic acid induced 1; plus strand). Cytogenetic location: 17p11.2.
Variant type: single nucleotide variant.
Coding change: c.2873G>A on transcript NM_030665.4 (MANE Select); coding-DNA position 2873, G replaced by A.
Protein change: p.Gly958Glu; replaces glycine 958 with glutamic acid.
Molecular consequence: missense variant.
Genome position (GRCh38, 1-based): chr17:17,795,821, G>A. VCF-style: chr17-17795821-G-A. GRCh37 (hg19) VCF-style: chr17-17699135-G-A.
Other names: short protein forms G958E.
Identifiers: ClinVar variation 1994593 (VCV001994593.4), dbSNP rs2508583917, ClinGen allele CA398552176.

ClinVar aggregate classification (germline): Uncertain significance (1 of 4 stars; one submission).

Submission:

Labcorp Genetics (formerly Invitae), Labcorp
Classification: Uncertain significance. Last evaluated: 2022-05-15. Review status: criteria provided, single submitter. Criteria: Invitae Variant Classification Sherloc (09022015). Collection method: clinical testing. Allele origin: germline.
Comment: This variant is not present in population databases (gnomAD no frequency). This variant has not been reported in the literature in individuals affected with RAI1-related conditions. Algorithms developed to predict the effect of missense changes on protein structure and function (SIFT, PolyPhen-2, Align-GVGD) all suggest that this variant is likely to be tolerated. In summary, the available evidence is currently insufficient to determine the role of this variant in disease. Therefore, it has been classified as a Variant of Uncertain Significance. This sequence change replaces glycine, which is neutral and non-polar, with glutamic acid, which is acidic and polar, at codon 958 of the RAI1 protein (p.Gly958Glu).